The following is an entry in ClinVar:

ClinVar aggregate classification (germline): Uncertain significance (1 of 4 stars; one submission).

Conditions:
Deficiency of butyryl-CoA dehydrogenase (ACADSD). Also called: ACYL-CoA DEHYDROGENASE, SHORT-CHAIN, DEFICIENCY OF; SCAD Deficiency; SCADH DEFICIENCY; Short-Chain Acyl-CoA Dehydrogenase Deficiency; ACADS DEFICIENCY; SCAD DEFICIENCY, MILD. Identifiers: Orphanet 26792, MedGen C0342783, MONDO:0008722, OMIM 201470. Disease mechanism: May be benign.

Allele frequency attached by ClinVar (database versions not stated): gnomAD exomes below 0.00001; TOPMed below 0.00001.
gnomAD v4.1: 1 of 1,551,826 alleles (0.000064%); highest among the groups gnomAD compares: Non-Finnish European, 0.000086%; no homozygotes.

Submission:

Labcorp Genetics (formerly Invitae), Labcorp
Classification: Uncertain significance for Deficiency of butyryl-CoA dehydrogenase. Last evaluated: 2025-03-17. Review status: criteria provided, single submitter. Criteria: Invitae Variant Classification Sherloc (09022015). Collection method: clinical testing. Allele origin: germline.
Comment: This sequence change replaces arginine, which is basic and polar, with glycine, which is neutral and non-polar, at codon 15 of the ACADS protein (p.Arg15Gly). The frequency data for this variant in the population databases is considered unreliable, as metrics indicate poor data quality at this position in the gnomAD database. This variant has not been reported in the literature in individuals affected with ACADS-related conditions. ClinVar contains an entry for this variant (Variation ID: 1363691). Invitae Evidence Modeling of protein sequence and biophysical properties (such as structural, functional, and spatial information, amino acid conservation, physicochemical variation, residue mobility, and thermodynamic stability) indicates that this missense variant is expected to disrupt ACADS protein function with a positive predictive value of 95%. In summary, the available evidence is currently insufficient to determine the role of this variant in disease. Therefore, it has been classified as a Variant of Uncertain Significance.

NM_000017.4(ACADS):c.43A>G (p.Arg15Gly)

Gene: ACADS (acyl-CoA dehydrogenase short chain; plus strand). Cytogenetic location: 12q24.31.
Variant type: single nucleotide variant.
Coding change: c.43A>G on transcript NM_000017.4 (MANE Select); coding-DNA position 43, A replaced by G.
Protein change: p.Arg15Gly; replaces arginine 15 with glycine.
Molecular consequence: missense variant.
Genome position (GRCh38, 1-based): chr12:120,725,928, A>G. VCF-style: chr12-120725928-A-G. GRCh37 (hg19) VCF-style: chr12-121163731-A-G.
Other names: c.43A>G, p.Arg15Gly (NM_001302554.2); short protein forms R15G.
Identifiers: ClinVar variation 1363691 (VCV001363691.6), dbSNP rs1338857285, ClinGen allele CA386612687.